The following is an entry in ClinVar:

NM_000814.6(GABRB3):c.241-7469A>T

Gene: GABRB3 (gamma-aminobutyric acid type A receptor subunit beta3; minus strand). Cytogenetic location: 15q12.
Variant type: single nucleotide variant.
Coding change: c.241-7469A>T on transcript NM_000814.6 (MANE Select); 7469 bases into the intron before coding-DNA position 241, A replaced by T.
Molecular consequence: intron variant. On other transcripts: missense variant (1), initiator codon variant (1), non-coding transcript variant (1).
Genome position (GRCh38, 1-based): chr15:26,629,003, T>A on the plus strand (A>T on the coding strand, the complement: GABRB3 is on the minus strand). VCF-style: chr15-26629003-T-A. GRCh37 (hg19) VCF-style: chr15-26874150-T-A.
Other names: c.1A>T, p.Met1Leu (NM_001191321.3); c.241-7469A>T (NM_021912.5); c.-15-7469A>T (NM_001278631.2, NM_001191320.2); short protein forms M1L.
Identifiers: ClinVar variation 3097830 (VCV003097830.2), dbSNP rs771265526, ClinGen allele CA7437494.

ClinVar aggregate classification (germline): Likely benign. Review status: criteria provided, single submitter (1 of 4 stars). 2 submissions from 2 submitters: Likely benign (1). 1 of the submissions does not count toward it. Last evaluated 2023-10-10.

Conditions:
Inborn genetic diseases. Identifiers: MedGen C0950123, MeSH D030342.
Developmental and epileptic encephalopathy, 43 (DEE43). Also called: Epileptic encephalopathy, early infantile, 43. Identifiers: MedGen C4310712, MONDO:0014921, OMIM 617113.

Allele frequency attached by ClinVar (database versions not stated): ExAC 0.00033.
gnomAD v4.1: 33 of 1,536,158 alleles (0.0021%); highest among the groups gnomAD compares: South Asian, 0.039%; no homozygotes.

Submissions (2):

Ambry Genetics
Classification: Likely benign for Inborn genetic diseases. Last evaluated: 2023-10-10. Review status: criteria provided, single submitter. Criteria: Ambry Variant Classification Scheme 2023. Collection method: clinical testing. Allele origin: germline.

Hong-Tao Li Lab, Institute of Brain Science and Brain-inspired Research, Shandong First Medical University & Shandong Academy of Medical Sciences China
Classification: Likely pathogenic for Developmental and epileptic encephalopathy, 43. Review status: no assertion criteria provided. Collection method: research. Allele origin: germline. Inheritance: Autosomal dominant inheritance. Affected: yes. Observed: 1 variant allele, 1 heterozygote. Not counted in ClinVar's aggregate classification.
Comment: Observed in affected individuals from a Pakistani neurodevelopmental-disorder research cohort of 263 individuals. Classification assigned using the ACMG/AMP framework. Population-frequency evidence: gnomAD AF 5.947e-05.